The following is an entry in ClinVar:

NM_001371623.1(TCOF1):c.863G>A (p.Arg288Gln)

Gene: TCOF1 (treacle ribosome biogenesis factor 1; plus strand). Cytogenetic location: 5q32.
Variant type: single nucleotide variant.
Coding change: c.863G>A on transcript NM_001371623.1 (MANE Select); coding-DNA position 863, G replaced by A.
Protein change: p.Arg288Gln; replaces arginine 288 with glutamine.
Molecular consequence: missense variant. On other transcripts: intron variant (2).
Genome position (GRCh38, 1-based): chr5:150,372,229, G>A. VCF-style: chr5-150372229-G-A. GRCh37 (hg19) VCF-style: chr5-149751792-G-A.
Other names: c.863G>A, p.Arg288Gln (NM_001008657.3, NM_001135243.2, NM_001135244.2 and 1 more transcripts); c.640-1945G>A (NM_001135245.2, NM_000356.4); short protein forms R288Q.
Identifiers: ClinVar variation 2558332 (VCV002558332.6), dbSNP rs770606504, ClinGen allele CA3510672.
Genomic context (GRCh38, chr5:150,372,229, plus strand): 5'-AGGAGTCAGAGAGTAGTGAGGAGGGATCTGAAAGTGAGGAGGAGGCCCCTGCAGGGACAC[G>A]AAGCCAGGTGAGGCCTGGAGGAGGGCTGCCCCTTGGAGGACCTGCGGGTCCCCCAGCAGC-3'
Protein context (NP_001358552.1, residues 278-298): ESEEEAPAGT[Arg288Gln]SQVKASEKIL

ClinVar aggregate classification (germline): Conflicting classifications of pathogenicity. Review status: criteria provided, conflicting classifications (1 of 4 stars). 3 submissions from 3 submitters: Uncertain significance (2); Likely benign (1). Last evaluated 2024-10-03.

Conditions:
Treacher Collins syndrome 1 (TCS1). Also called: TCOF1-Related Treacher Collins Syndrome. Identifiers: Orphanet 861, MedGen CN315775, MONDO:0007944, OMIM 154500.
Inborn genetic diseases. Identifiers: MedGen C0950123, MeSH D030342.

Allele frequency attached by ClinVar (database versions not stated): TOPMed below 0.00001; gnomAD exomes 0.00002; ExAC 0.00005; gnomAD 0.00007.
gnomAD v4.1: 36 of 1,608,934 alleles (0.0022%); highest among the groups gnomAD compares: East Asian, 0.016%; no homozygotes.

Submissions (3):

Blueprint Genetics
Classification: Likely benign. Last evaluated: 2024-10-03. Review status: criteria provided, single submitter. Criteria: ACMG Guidelines, 2015. Collection method: clinical testing. Allele origin: germline.

Ambry Genetics
Classification: Uncertain significance for Inborn genetic diseases. Last evaluated: 2023-06-07. Review status: criteria provided, single submitter. Criteria: Ambry Variant Classification Scheme 2023. Collection method: clinical testing. Allele origin: germline.

Labcorp Genetics (formerly Invitae), Labcorp
Classification: Uncertain significance for Treacher Collins syndrome 1. Last evaluated: 2023-04-29. Review status: criteria provided, single submitter. Criteria: Invitae Variant Classification Sherloc (09022015). Collection method: clinical testing. Allele origin: germline.
Comment: In summary, the available evidence is currently insufficient to determine the role of this variant in disease. Therefore, it has been classified as a Variant of Uncertain Significance. An algorithm developed to predict the effect of missense changes on protein structure and function (PolyPhen-2) suggests that this variant is likely to be tolerated. This variant has not been reported in the literature in individuals affected with TCOF1-related conditions. This variant is present in population databases (rs770606504, gnomAD 0.04%), and has an allele count higher than expected for a pathogenic variant. This sequence change replaces arginine, which is basic and polar, with glutamine, which is neutral and polar, at codon 288 of the TCOF1 protein (p.Arg288Gln).